The following is an entry in ClinVar:

NM_001004334.4(GPR179):c.3338G>A (p.Gly1113Glu)

Gene: GPR179 (G protein-coupled receptor 179; minus strand). Cytogenetic location: 17q12.
Variant type: single nucleotide variant.
Coding change: c.3338G>A on transcript NM_001004334.4 (MANE Select); coding-DNA position 3338, G replaced by A.
Protein change: p.Gly1113Glu; replaces glycine 1113 with glutamic acid.
Molecular consequence: missense variant.
Genome position (GRCh38, 1-based): chr17:38,330,231, C>T on the plus strand (G>A on the coding strand, the complement: GPR179 is on the minus strand). VCF-style: chr17-38330231-C-T. GRCh37 (hg19) VCF-style: chr17-36486114-C-T.
Other names: c.3338G>A (NM_001004334.2); short protein forms G1113E.
Identifiers: ClinVar variation 4698731 (VCV004698731.2).
Genomic context (GRCh38, chr17:38,330,231, plus strand): 5'-CCTAGCCTGGGCGATCGGGAGGGTGCCCCCATACTCTCTCCCGCAGTCCCGCTGTTCTGC[C>T]CCTCGGGACTCTCCTCCACACTCTCCTTCTCTCTGTAGGTGCTCCGAGAACGGGTCAGAG-3'
Protein context (NP_001004334.3, residues 1103-1123): EKESVEESPE[Gly1113Glu]QNSGTAGESM

ClinVar aggregate classification (germline): Uncertain significance. Review status: criteria provided, multiple submitters, no conflicts (2 of 4 stars). 2 submissions from 2 submitters: Uncertain significance (2). Last evaluated 2025-12-16.

Conditions:
Inborn genetic diseases. Identifiers: MedGen C0950123, MeSH D030342.

gnomAD v4.1: 1 of 1,576,182 alleles (0.000063%); highest among the groups gnomAD compares: Non-Finnish European, 0.000086%; no homozygotes.

Submissions (2):

Ambry Genetics
Classification: Uncertain significance for Inborn genetic diseases. Last evaluated: 2025-12-16. Review status: criteria provided, single submitter. Criteria: Ambry Variant Classification Scheme 2023. Collection method: clinical testing. Allele origin: germline.

Labcorp Genetics (formerly Invitae), Labcorp
Classification: Uncertain significance. Last evaluated: 2025-08-19. Review status: criteria provided, single submitter. Criteria: Invitae Variant Classification Sherloc (09022015). Collection method: clinical testing. Allele origin: germline.
Comment: This sequence change replaces glycine, which is neutral and non-polar, with glutamic acid, which is acidic and polar, at codon 1113 of the GPR179 protein (p.Gly1113Glu). This variant is not present in population databases (gnomAD no frequency). This variant has not been reported in the literature in individuals affected with GPR179-related conditions. An algorithm developed to predict the effect of missense changes on protein structure and function outputs the following: PolyPhen-2: "Benign". The glutamic acid amino acid residue is found in multiple mammalian species, which suggests that this missense change does not adversely affect protein function. In summary, the available evidence is currently insufficient to determine the role of this variant in disease. Therefore, it has been classified as a Variant of Uncertain Significance.